The following is an entry in ClinVar:

ClinVar aggregate classification (germline): Uncertain significance. Review status: criteria provided, multiple submitters, no conflicts (2 of 4 stars). 5 submissions from 5 submitters: Uncertain significance (4). 1 of the submissions does not count toward it. Last evaluated 2024-07-10.

Conditions:
Fanconi anemia (FA). Also called: Fanconi's anemia. Identifiers: Orphanet 84, MedGen C0015625, MeSH D005199, MONDO:0019391.
Fanconi anemia complementation group G. Also called: FANCG-Related Fanconi Anemia; Fanconi anemia group G. Identifiers: Orphanet 84, MedGen C3469527, MONDO:0013565, OMIM 614082.

Allele frequency attached by ClinVar (database versions not stated): TOPMed 0.00003.

Submissions (5):

Labcorp Genetics (formerly Invitae), Labcorp
Classification: Uncertain significance for Fanconi anemia. Last evaluated: 2024-07-10. Review status: criteria provided, single submitter. Criteria: Invitae Variant Classification Sherloc (09022015). Collection method: clinical testing. Allele origin: germline.
Comment: This sequence change replaces proline, which is neutral and non-polar, with histidine, which is basic and polar, at codon 386 of the FANCG protein (p.Pro386His). This variant is present in population databases (rs141147618, gnomAD 0.003%). This variant has not been reported in the literature in individuals affected with FANCG-related conditions. ClinVar contains an entry for this variant (Variation ID: 914728). Advanced modeling of protein sequence and biophysical properties (such as structural, functional, and spatial information, amino acid conservation, physicochemical variation, residue mobility, and thermodynamic stability) performed at Invitae indicates that this missense variant is not expected to disrupt FANCG protein function with a negative predictive value of 80%. In summary, the available evidence is currently insufficient to determine the role of this variant in disease. Therefore, it has been classified as a Variant of Uncertain Significance.

Fulgent Genetics
Classification: Uncertain significance for Fanconi anemia complementation group G. Last evaluated: 2021-11-29. Review status: criteria provided, single submitter. Criteria: ACMG Guidelines, 2015. Collection method: clinical testing. Allele origin: unknown.

Revvity Omics, Revvity
Classification: Uncertain significance for Fanconi anemia complementation group G. Last evaluated: 2019-07-23. Review status: criteria provided, single submitter. Criteria: ACMG Guidelines, 2015. Collection method: clinical testing. Allele origin: germline.

Illumina Laboratory Services, Illumina
Classification: Uncertain significance for Fanconi anemia complementation group G. Last evaluated: 2018-01-12. Review status: criteria provided, single submitter. Criteria: ICSL Variant Classification Criteria 13 December 2019. Collection method: clinical testing. Allele origin: germline.

Natera, Inc.
Classification: Uncertain significance for Fanconi anemia group G. Last evaluated: 2020-02-24. Review status: no assertion criteria provided. Collection method: clinical testing. Allele origin: germline. Not counted in ClinVar's aggregate classification.

NM_004629.2(FANCG):c.1157C>A (p.Pro386His)

Gene: FANCG (FA complementation group G; minus strand). Cytogenetic location: 9p13.3.
Variant type: single nucleotide variant.
Coding change: c.1157C>A on transcript NM_004629.2 (MANE Select); coding-DNA position 1157, C replaced by A.
Protein change: p.Pro386His; replaces proline 386 with histidine.
Molecular consequence: missense variant.
Genome position (GRCh38, 1-based): chr9:35,075,741, G>T on the plus strand (C>A on the coding strand, the complement: FANCG is on the minus strand). VCF-style: chr9-35075741-G-T. GRCh37 (hg19) VCF-style: chr9-35075738-G-T.
Other names: short protein forms P386H.
Identifiers: ClinVar variation 914728 (VCV000914728.13), dbSNP rs141147618, ClinGen allele CA5039807.